The following is an entry in ClinVar:

NM_001035.3(RYR2):c.11399G>T (p.Cys3800Phe)

Gene: RYR2 (ryanodine receptor 2; plus strand). Cytogenetic location: 1q43.
Variant type: single nucleotide variant.
Coding change: c.11399G>T on transcript NM_001035.3 (MANE Select); coding-DNA position 11399, G replaced by T.
Protein change: p.Cys3800Phe; replaces cysteine 3800 with phenylalanine.
Molecular consequence: missense variant.
Genome position (GRCh38, 1-based): chr1:237,759,849, G>T. VCF-style: chr1-237759849-G-T. GRCh37 (hg19) VCF-style: chr1-237923149-G-T.
Other names: c.11399G>T (NM_001035.2); short protein forms C3800F.
Identifiers: ClinVar variation 927314 (VCV000927314.13), dbSNP rs1239093704, ClinGen allele CA345429012.
Genomic context (GRCh38, chr1:237,759,849, plus strand): 5'-ACCTCAAGGAGAAAAAGGATGTGGGCTTCTTTCAGAGCCTGGCCGGCCTGATGCAGTCAT[G>T]TAGGTAAGGACTCACTTCCTTCTTGGGGGTTCTACTCAGTGGTTGTATTTTTTCGAAGCA-3'
Protein context (NP_001026.2, residues 3790-3810): FQSLAGLMQS[Cys3800Phe]SVLDLNAFER

ClinVar aggregate classification (germline): Uncertain significance. Review status: criteria provided, multiple submitters, no conflicts (2 of 4 stars). 4 submissions from 4 submitters: Uncertain significance (4). Last evaluated 2025-07-14.

Conditions:
Catecholaminergic polymorphic ventricular tachycardia (CVPT). Also called: Catecholamine-induced polymorphic ventricular tachycardia. Identifiers: Orphanet 3286, MedGen C5574922, MONDO:0017990.
Cardiomyopathy (CMYO). Also called: Cardiomyopathies. Identifiers: Orphanet 167848, MedGen C0878544, MONDO:0004994, HP:0001638. Inheritance: Various modes of inheritance.
Cardiovascular phenotype. Identifiers: MedGen CN230736.
Catecholaminergic polymorphic ventricular tachycardia 1. Also called: VENTRICULAR TACHYCARDIA, CATECHOLAMINERGIC POLYMORPHIC, 1, WITH OR WITHOUT ATRIAL DYSFUNCTION AND/OR DILATED CARDIOMYOPATHY; VENTRICULAR TACHYCARDIA, STRESS-INDUCED POLYMORPHIC 1; RYR2-Related Catecholaminergic Polymorphic Ventricular Tachycardia. Identifiers: Orphanet 3286, MedGen C1631597, MONDO:0011484, OMIM 604772.

Allele frequency attached by ClinVar (database versions not stated): gnomAD exomes below 0.00001.
gnomAD v4.1: 2 of 1,607,076 alleles (0.00012%); highest among the groups gnomAD compares: Non-Finnish European, 0.00017%; no homozygotes.

Submissions (4):

Color Diagnostics, LLC DBA Color Health
Classification: Uncertain significance for Cardiomyopathy. Last evaluated: 2025-07-14. Review status: criteria provided, single submitter. Criteria: ACMG Guidelines, 2015. Collection method: clinical testing. Allele origin: germline.
Comment: This missense variant replaces cysteine with phenylalanine at codon 3800 of the RYR2 protein. Computational prediction suggests that this variant may have deleterious impact on protein structure and function. To our knowledge, functional studies have not been reported for this variant. This variant has been reported in an individual suspected of having long QT syndrome (PMID: 16188589). This variant has been identified in 1/247738 chromosomes in the general population by the Genome Aggregation Database (gnomAD). The available evidence is insufficient to determine the role of this variant in disease conclusively. Therefore, this variant is classified as a Variant of Uncertain Significance.

All of Us Research Program, National Institutes of Health
Classification: Uncertain significance for Catecholaminergic polymorphic ventricular tachycardia. Last evaluated: 2024-08-06. Review status: criteria provided, single submitter. Criteria: ACMG Guidelines, 2015. Collection method: clinical testing. Allele origin: germline. Inheritance: Autosomal dominant inheritance. Observed: 3 variant alleles, 3 heterozygotes.
Comment: Variant of Uncertain Significance due to insufficient evidence: This missense variant is located in the cytoplasmic domain of the RYR2 protein. Computational prediction tools and conservation analyses suggest that this variant may have deleterious impact on the protein function. Computational splicing tools suggest that this variant may not impact RNA splicing. To our knowledge, functional assays have not been performed for this variant. This variant has been reported in an individual referred explicitly for long QT syndrome genetic testing (PMID: 16188589). This variant has been identified in 1/244836 chromosomes in the general population by the Genome Aggregation Database (gnomAD). Available evidence is insufficient to determine the role of this variant in disease conclusively.

This study involves interpretation of variants in research participants for the purpose of population health screening. Participant phenotype was not available at the time of variant classification. Additional details can be found in publication PMID: 35346344, PMCID: PMC8962531

Labcorp Genetics (formerly Invitae), Labcorp
Classification: Uncertain significance for Catecholaminergic polymorphic ventricular tachycardia 1. Last evaluated: 2022-09-20. Review status: criteria provided, single submitter. Criteria: Invitae Variant Classification Sherloc (09022015). Collection method: clinical testing. Allele origin: germline.
Comment: Advanced modeling of protein sequence and biophysical properties (such as structural, functional, and spatial information, amino acid conservation, physicochemical variation, residue mobility, and thermodynamic stability) performed at Invitae indicates that this missense variant is expected to disrupt RYR2 protein function. In summary, the available evidence is currently insufficient to determine the role of this variant in disease. Therefore, it has been classified as a Variant of Uncertain Significance. ClinVar contains an entry for this variant (Variation ID: 927314). This missense change has been observed in individual(s) with RYR2-related conditions (PMID: 16188589, 29453246). This variant is present in population databases (no rsID available, gnomAD 0.0009%). This sequence change replaces cysteine, which is neutral and slightly polar, with phenylalanine, which is neutral and non-polar, at codon 3800 of the RYR2 protein (p.Cys3800Phe).

Ambry Genetics
Classification: Uncertain significance for Cardiovascular phenotype. Last evaluated: 2021-11-18. Review status: criteria provided, single submitter. Criteria: Ambry Variant Classification Scheme 2023. Collection method: clinical testing. Allele origin: germline.
Comment: The p.C3800F variant (also known as c.11399G>T), located in coding exon 83 of the RYR2 gene, results from a G to T substitution at nucleotide position 11399. The cysteine at codon 3800 is replaced by phenylalanine, an amino acid with highly dissimilar properties. This variant has been detected in cohorts with suspected catecholaminergic polymorphic ventricular tachycardia (CPVT) or who were referred for CPVT genetic testing (Tester DJ et al. Heart Rhythm, 2005 Oct;2:1099-105; Kapplinger JD et al. Circ Genom Precis Med, 2018 02;11:e001424). This amino acid position is highly conserved in available vertebrate species. In addition, this alteration is predicted to be deleterious by in silico analysis. Since supporting evidence is limited at this time, the clinical significance of this alteration remains unclear.

Literature cited by the submitters: PubMed 16188589 (cited by 4 submitters); PubMed 29453246 (cited by Labcorp Genetics (formerly Invitae), Labcorp and Ambry Genetics); PubMed 24025405 (cited by Ambry Genetics).